The following is an entry in ClinVar:

ClinVar aggregate classification (germline): Uncertain significance. Review status: criteria provided, multiple submitters, no conflicts (2 of 4 stars). 2 submissions from 2 submitters: Uncertain significance (2). Last evaluated 2026-02-01.

Conditions:
Hereditary spastic paraplegia 11. Also called: Spastic paraplegia, mental retardation and thin corpus callosum; SPASTIC PARAPLEGIA, AUTOSOMAL RECESSIVE, COMPLICATED, WITH THIN CORPUS CALLOSUM; SPASTIC PARAPLEGIA, AUTOSOMAL RECESSIVE, WITH MENTAL IMPAIRMENT AND THIN CORPUS CALLOSUM; Spastic Paraplegia 11; Nakamura Osame syndrome; Autosomal recessive hereditary spastic paraplegia, mental impairment, and thin corpus callosum. Identifiers: Orphanet 2822, MedGen C1858479, MONDO:0011445, OMIM 604360.

Allele frequency attached by ClinVar (database versions not stated): gnomAD 0.00001; gnomAD exomes 0.00001; TOPMed 0.00001; ExAC 0.00002.
gnomAD v4.1: 20 of 1,612,414 alleles (0.0012%); highest among the groups gnomAD compares: Non-Finnish European, 0.0013%; no homozygotes.

Submissions (2):

CeGaT Center for Human Genetics Tuebingen
Classification: Uncertain significance. Last evaluated: 2026-02-01. Review status: criteria provided, single submitter. Criteria: CeGaT Center For Human Genetics Tuebingen Variant Classification Criteria Version 2. Collection method: clinical testing. Allele origin: germline. Affected: yes. Observed: 3 variant alleles.
Comment: SPG11: PM2, BP4

Labcorp Genetics (formerly Invitae), Labcorp
Classification: Uncertain significance for Hereditary spastic paraplegia 11. Last evaluated: 2023-11-27. Review status: criteria provided, single submitter. Criteria: Invitae Variant Classification Sherloc (09022015). Collection method: clinical testing. Allele origin: germline.
Comment: This sequence change replaces serine, which is neutral and polar, with asparagine, which is neutral and polar, at codon 1045 of the SPG11 protein (p.Ser1045Asn). This variant is present in population databases (rs749192217, gnomAD 0.01%). This variant has not been reported in the literature in individuals affected with SPG11-related conditions. ClinVar contains an entry for this variant (Variation ID: 1519889). Advanced modeling of protein sequence and biophysical properties (such as structural, functional, and spatial information, amino acid conservation, physicochemical variation, residue mobility, and thermodynamic stability) performed at Invitae indicates that this missense variant is not expected to disrupt SPG11 protein function with a negative predictive value of 80%. In summary, the available evidence is currently insufficient to determine the role of this variant in disease. Therefore, it has been classified as a Variant of Uncertain Significance.

NM_025137.4(SPG11):c.3134G>A (p.Ser1045Asn)

Gene: SPG11 (SPG11 vesicle trafficking associated, spatacsin; minus strand). Cytogenetic location: 15q21.1.
Variant type: single nucleotide variant.
Coding change: c.3134G>A on transcript NM_025137.4 (MANE Select); coding-DNA position 3134, G replaced by A.
Protein change: p.Ser1045Asn; replaces serine 1045 with asparagine.
Molecular consequence: missense variant.
Genome position (GRCh38, 1-based): chr15:44,613,441, C>T on the plus strand (G>A on the coding strand, the complement: SPG11 is on the minus strand). VCF-style: chr15-44613441-C-T. GRCh37 (hg19) VCF-style: chr15-44905639-C-T.
Other names: c.3134G>A, p.Ser1045Asn (NM_001160227.2); short protein forms S1045N.
Identifiers: ClinVar variation 1519889 (VCV001519889.34), dbSNP rs749192217, ClinGen allele CA7535059.